The following is an entry in ClinVar:

NM_000059.4(BRCA2):c.846_847del (p.Ile283fs)

Gene: BRCA2 (BRCA2 DNA repair associated; plus strand). Cytogenetic location: 13q13.1.
Variant type: Microsatellite.
Coding change: c.846_847del on transcript NM_000059.4 (MANE Select); coding-DNA positions 846 to 847, 2 bases deleted (CA; older notation c.846_847delCA).
Protein change: p.Ile283fs; shifts the reading frame from isoleucine 283.
Molecular consequence: frameshift variant.
Genome position (GRCh38, 1-based): chr13:32,332,324-32,332,325, CA deleted; deleting any 2 consecutive bases within chr13:32,332,322-32,332,325 gives the same sequence; the c. name uses the placement nearest the transcript's 3' end. VCF-style (leftmost placement, unchanged base first): chr13-32332321-CCA-C. GRCh37 (hg19) VCF-style: chr13-32906458-CCA-C.
Other names: 1074_1075delCA; c.846_847delCA (NM_000059.3); short protein forms I283fs.
Identifiers: ClinVar variation 267087 (VCV000267087.16), dbSNP rs886040776, ClinGen allele CA10589056.

ClinVar aggregate classification (germline): Pathogenic. Review status: reviewed by expert panel (3 of 4 stars). 5 submissions from 5 submitters: Pathogenic (1). 4 of the submissions do not count toward it. Last evaluated 2016-10-18.

Conditions:
Breast-ovarian cancer, familial, susceptibility to, 2 (BROVCA2). Also called: BRCA2 Hereditary Breast and Ovarian Cancer. Identifiers: Orphanet 145, MedGen C2675520, MONDO:0012933, OMIM 612555. Disease mechanism: loss of function.
Hereditary cancer-predisposing syndrome. Also called: Hereditary neoplastic syndrome; Neoplastic Syndromes, Hereditary; Tumor predisposition; Hereditary Cancer Syndrome. Identifiers: Orphanet 140162, MedGen C0027672, MeSH D009386, MONDO:0015356.
Hereditary breast ovarian cancer syndrome. Also called: BRCA1- and BRCA2-Associated Hereditary Breast and Ovarian Cancer; Hereditary breast and ovarian cancer; Breast and ovarian cancer; Hereditary breast and/or ovarian cancer syndrome; Hereditary breast and ovarian cancer syndrome; Hereditary breast and ovarian cancer syndrome (HBOC). Identifiers: Orphanet 145, MedGen C0677776, MeSH D061325, MONDO:0003582. Disease mechanism: loss of function.

Submissions (5):

Evidence-based Network for the Interpretation of Germline Mutant Alleles (ENIGMA)
Classification: Pathogenic for Breast-ovarian cancer, familial, susceptibility to, 2. Last evaluated: 2016-10-18. Review status: reviewed by expert panel. Criteria: ENIGMA BRCA1/2 Classification Criteria (2015). Collection method: curation. Allele origin: germline.
Comment: Variant allele predicted to encode a truncated non-functional protein.

Labcorp Genetics (formerly Invitae), Labcorp
Classification: Pathogenic for Hereditary breast ovarian cancer syndrome. Last evaluated: 2024-04-30. Review status: criteria provided, single submitter. Criteria: Invitae Variant Classification Sherloc (09022015). Collection method: clinical testing. Allele origin: germline. Not counted in ClinVar's aggregate classification.
Comment: This sequence change creates a premature translational stop signal (p.Ile283Trpfs*11) in the BRCA2 gene. It is expected to result in an absent or disrupted protein product. Loss-of-function variants in BRCA2 are known to be pathogenic (PMID: 20104584). This variant is not present in population databases (gnomAD no frequency). This premature translational stop signal has been observed in individual(s) with breast and/or ovarian cancer and with suspected Lynch syndrome (PMID: 25980754, 27062684). ClinVar contains an entry for this variant (Variation ID: 267087). For these reasons, this variant has been classified as Pathogenic.

Ambry Genetics
Classification: Pathogenic for Hereditary cancer-predisposing syndrome. Last evaluated: 2020-12-22. Review status: criteria provided, single submitter. Criteria: Ambry Variant Classification Scheme 2023. Collection method: clinical testing. Allele origin: germline. Not counted in ClinVar's aggregate classification.
Comment: The c.846_847delCA pathogenic mutation, located in coding exon 9 of the BRCA2 gene, results from a deletion of two nucleotides at nucleotide positions 846 to 847, causing a translational frameshift with a predicted alternate stop codon (p.I283Wfs*11). This mutation, designated as 1074delCA, was detected in a patient with familial pancreatic cancer (Lucas AL et al. Cancer. 2014 Jul;120:1960-7). Additionally, it has been identified in multiple families referred for hereditary cancer testing (Azzollini J et al. Eur J Intern Med. 2016 Jul;32:65-71; Rebbeck TR et al. Hum Mutat. 2018 May;39(5):593-620.) In addition to the clinical data presented in the literature, this alteration is expected to result in loss of function by premature protein truncation or nonsense-mediated mRNA decay. As such, this alteration is interpreted as a disease-causing mutation.

Women's Health and Genetics/Laboratory Corporation of America, LabCorp
Classification: Pathogenic for Hereditary breast and ovarian cancer syndrome. Last evaluated: 2019-07-30. Review status: criteria provided, single submitter. Criteria: LabCorp Variant Classification Summary - May 2015. Collection method: clinical testing. Allele origin: germline. Not counted in ClinVar's aggregate classification.
Comment: Variant summary: BRCA2 c.846_847delCA (p.Ile283TrpfsX11) results in a premature termination codon, predicted to cause a truncation of the encoded protein or absence of the protein due to nonsense mediated decay, which are commonly known mechanisms for disease. Truncations downstream of this position have been classified as pathogenic by our laboratory. The variant was absent in 242294 control chromosomes (gnomAD). The variant, c.846_847delCA, has been reported in the literature in individuals affected with breast and/or ovarian cancer (Lucas_2014, Yurgelun_2015, Azzollini_2016, Germani_2018, Rebbeck_2018). These data indicate that the variant is likely to be associated with disease. To our knowledge, no experimental evidence demonstrating an impact on protein function has been reported. Two ClinVar submissions including one expert panel (ENIGMA) (evaluation after 2014) classified the variant as pathogenic. Based on the evidence outlined above, the variant was classified as pathogenic.

Consortium of Investigators of Modifiers of BRCA1/2 (CIMBA), c/o University of Cambridge
Classification: Pathogenic for Breast-ovarian cancer, familial, susceptibility to, 2. Last evaluated: 2015-10-02. Review status: criteria provided, single submitter. Criteria: CIMBA Mutation Classification guidelines May 2016. Collection method: clinical testing. Allele origin: germline. Not counted in ClinVar's aggregate classification.

Literature cited by the submitters: PubMed 20104584 (cited by Labcorp Genetics (formerly Invitae), Labcorp); PubMed 25980754 (cited by Labcorp Genetics (formerly Invitae), Labcorp and Women's Health and Genetics/Laboratory Corporation of America, LabCorp); PubMed 27062684 (cited by 3 submitters); PubMed 24737347 (cited by Ambry Genetics and Women's Health and Genetics/Laboratory Corporation of America, LabCorp); PubMed 29446198 (cited by Women's Health and Genetics/Laboratory Corporation of America, LabCorp); PubMed 30263092 (cited by Women's Health and Genetics/Laboratory Corporation of America, LabCorp).